The following is an entry in ClinVar:

NM_032387.5(WNK4):c.2350+4T>C

Gene: WNK4 (WNK lysine deficient protein kinase 4; plus strand). Cytogenetic location: 17q21.2.
Variant type: single nucleotide variant.
Coding change: c.2350+4T>C on transcript NM_032387.5 (MANE Select); 4 bases into the intron after coding-DNA position 2350, T replaced by C.
Molecular consequence: intron variant.
Genome position (GRCh38, 1-based): chr17:42,794,672, T>C. VCF-style: chr17-42794672-T-C. GRCh37 (hg19) VCF-style: chr17-40946690-T-C.
Other names: c.1342+4T>C (NM_001321299.2).
Identifiers: ClinVar variation 3037289 (VCV003037289.2), dbSNP rs2544032473, ClinGen allele CA2740095371.
Genomic context (GRCh38, chr17:42,794,672, plus strand): 5'-AGGAGGAGCCAGCACCATTACCTGCCCTGCCCGTCCCCCTCCCAGACCCATCCAATGGTA[T>C]GTACTGAGTTGTGTCCTTGCTCATCCCAACCCCTGGGGTTGCTCCTGGGAAGGGCATAGG-3'

ClinVar aggregate classification (germline): Likely benign (0 of 4 stars; one submission).

Conditions:
WNK4-related disorder. Also called: WNK4-related condition.

Submission:

PreventionGenetics, part of Exact Sciences
Classification: Likely benign for WNK4-related condition. Last evaluated: 2019-05-03. Review status: no assertion criteria provided. Collection method: clinical testing. Allele origin: germline.
Comment: This variant is classified as likely benign based on ACMG/AMP sequence variant interpretation guidelines (Richards et al. 2015 PMID: 25741868, with internal and published modifications).